The following is an entry in ClinVar:

ClinVar aggregate classification (germline): Conflicting classifications of pathogenicity. Review status: criteria provided, conflicting classifications (1 of 4 stars). 2 submissions from 2 submitters: Uncertain significance (1); Benign (1). Last evaluated 2025-11-01.

Submissions (2):

CeGaT Center for Human Genetics Tuebingen
Classification: Uncertain significance. Last evaluated: 2025-11-01. Review status: criteria provided, single submitter. Criteria: CeGaT Center For Human Genetics Tuebingen Variant Classification Criteria Version 2. Collection method: clinical testing. Allele origin: germline. Affected: yes. Observed: 1 variant allele.
Comment: KCNQ5: PM2, PP2, PP3, BP5

Labcorp Genetics (formerly Invitae), Labcorp
Classification: Benign. Last evaluated: 2023-10-13. Review status: criteria provided, single submitter. Criteria: Invitae Variant Classification Sherloc (09022015). Collection method: clinical testing. Allele origin: germline.

NM_019842.4(KCNQ5):c.641T>C (p.Ile214Thr)

Gene: KCNQ5 (potassium voltage-gated channel subfamily Q member 5; plus strand). Cytogenetic location: 6q13.
Variant type: single nucleotide variant.
Coding change: c.641T>C on transcript NM_019842.4 (MANE Select); coding-DNA position 641, T replaced by C.
Protein change: p.Ile214Thr; replaces isoleucine 214 with threonine.
Molecular consequence: missense variant.
Genome position (GRCh38, 1-based): chr6:73,077,346, T>C. VCF-style: chr6-73077346-T-C. GRCh37 (hg19) VCF-style: chr6-73787069-T-C.
Other names: c.641T>C, p.Ile214Thr (NM_001160130.2, NM_001160132.2, NM_001160133.2 and 1 more transcripts); short protein forms I214T.
Identifiers: ClinVar variation 2789016 (VCV002789016.9), dbSNP rs2533591369, ClinGen allele CA364826067.
Genomic context (GRCh38, chr6:73,077,346, plus strand): 5'-GTGCTAACTGTGGCTATTTCGACCTGTTTCTTTCAGATACCATTGTTCTTATCGCTTCAA[T>C]AGCAGTTGTTTCTGCAAAAACTCAGGGTAATATTTTTGCCACGTCTGCACTCAGAAGTCT-3'
Protein context (NP_062816.2, residues 204-224): VIDTIVLIAS[Ile214Thr]AVVSAKTQGN